The following is an entry in ClinVar:

NM_001276345.2(TNNT2):c.*91A>T

Gene: TNNT2 (troponin T2, cardiac type; minus strand). Cytogenetic location: 1q32.1.
Variant type: single nucleotide variant.
Coding change: c.*91A>T on transcript NM_001276345.2 (MANE Select); 91 bases downstream of the stop codon, A replaced by T.
Molecular consequence: 3 prime UTR variant.
Genome position (GRCh38, 1-based): chr1:201,359,119, T>A on the plus strand (A>T on the coding strand, the complement: TNNT2 is on the minus strand). VCF-style: chr1-201359119-T-A. GRCh37 (hg19) VCF-style: chr1-201328247-T-A.
Other names: c.*91A>T (NM_000364.4, NM_001001430.3, NM_001001431.3 and 9 more transcripts).
Identifiers: ClinVar variation 4820509 (VCV004820509.1), dbSNP rs867081358.

ClinVar aggregate classification (germline): Likely benign (1 of 4 stars; one submission).

gnomAD v4.1: 53 of 1,525,002 alleles (0.0035%); highest among the groups gnomAD compares: South Asian, 0.059%; 2 homozygotes.

Submission:

Molecular Diagnostic Laboratory for Inherited Cardiovascular Disease, Montreal Heart Institute
Classification: Likely benign. Last evaluated: 2026-03-27. Review status: criteria provided, single submitter. Criteria: ACMG Guidelines, 2015. Collection method: clinical testing. Allele origin: germline. Affected: no.
Comment: BS1